The following is an entry in ClinVar:

NM_018489.3(ASH1L):c.7109G>A (p.Arg2370His)

Gene: ASH1L (ASH1 like histone lysine methyltransferase; minus strand). Cytogenetic location: 1q22.
Variant type: single nucleotide variant.
Coding change: c.7109G>A on transcript NM_018489.3 (MANE Select); coding-DNA position 7109, G replaced by A.
Protein change: p.Arg2370His; replaces arginine 2370 with histidine.
Molecular consequence: missense variant.
Genome position (GRCh38, 1-based): chr1:155,354,577, C>T on the plus strand (G>A on the coding strand, the complement: ASH1L is on the minus strand). VCF-style: chr1-155354577-C-T. GRCh37 (hg19) VCF-style: chr1-155324368-C-T.
Other names: c.7124G>A, p.Arg2375His (NM_001366177.2); short protein forms R2370H, R2375H.
Identifiers: ClinVar variation 4534055 (VCV004534055.6).

ClinVar aggregate classification (germline): Likely benign (1 of 4 stars; one submission).

gnomAD v4.1: 160 of 1,613,630 alleles (0.0099%); highest among the groups gnomAD compares: Admixed American, 0.24%; no homozygotes.

Submission:

CeGaT Center for Human Genetics Tuebingen
Classification: Likely benign. Last evaluated: 2026-07-01. Review status: criteria provided, single submitter. Criteria: CeGaT Center For Human Genetics Tuebingen Variant Classification Criteria Version 2. Collection method: clinical testing. Allele origin: germline. Affected: yes. Observed: 3 variant alleles.
Comment: ASH1L: BP4, BS1